The following is an entry in ClinVar:

ClinVar aggregate classification (germline): Uncertain significance (0 of 4 stars; one submission).

Conditions:
Prostate cancer. Also called: Malignant tumor of prostate. Identifiers: Orphanet 1331, MedGen C0376358, MONDO:0008315, HP:0012125.

Submission:

Science for Life laboratory,  Karolinska Institutet
Classification: Uncertain significance for Malignant tumor of prostate. Review status: no assertion criteria provided. Collection method: not provided. Allele origin: somatic.
Comment: TumorID:SWE-1
ClinVar note: Converted during submission from Unknown to Uncertain significance.

NM_020653.4(ZNF287):c.1093G>C (p.Glu365Gln)

Gene: ZNF287 (zinc finger protein 287; minus strand). Cytogenetic location: 17p11.2.
Variant type: single nucleotide variant.
Coding change: c.1093G>C on transcript NM_020653.4 (MANE Select); coding-DNA position 1093, G replaced by C.
Protein change: p.Glu365Gln; replaces glutamic acid 365 with glutamine.
Molecular consequence: missense variant.
Genome position (GRCh38, 1-based): chr17:16,553,049, C>G on the plus strand (G>C on the coding strand, the complement: ZNF287 is on the minus strand). VCF-style: chr17-16553049-C-G. GRCh37 (hg19) VCF-style: chr17-16456363-C-G.
Other names: c.1093G>C, p.Glu365Gln (NM_001346167.2, NM_001346168.2, NM_001346169.2); c.949G>C, p.Glu317Gln (NM_001346170.1); c.586G>C, p.Glu196Gln (NM_001346171.2); short protein forms E365Q, E317Q, E196Q.
Identifiers: ClinVar variation 161733 (VCV000161733.2), dbSNP rs193920744, ClinGen allele CA174686.
Genomic context (GRCh38, chr17:16,553,049, plus strand): 5'-TCAGGAGGGATGGGTATTTCCTAAATTTTTTCCCACACACATTACACTTGTAAGGCTTCT[C>G]TCCAGGAAGTATTTTCCTATGTACAATACCATATGAGACATGATTGAAGGTTGCCCTGCC-3'
Protein context (NP_065704.2, residues 355-375): GIVHRKILPG[Glu365Gln]KPYKCNVCGK